The following is an entry in ClinVar:

ClinVar aggregate classification (germline): Uncertain significance. Review status: criteria provided, multiple submitters, no conflicts (2 of 4 stars). 3 submissions from 3 submitters: Uncertain significance (3). Last evaluated 2025-11-03.

Conditions:
RAI1-related disorder. Also called: RAI1-related condition.
Smith-Magenis syndrome (SMS). Also called: CHROMOSOME 17p11.2 DELETION SYNDROME. Identifiers: Orphanet 819, MedGen C0795864, MONDO:0008434, OMIM 182290.

Allele frequency attached by ClinVar (database versions not stated): gnomAD exomes below 0.00001; gnomAD 0.00001.
gnomAD v4.1: 3 of 1,612,880 alleles (0.00019%); highest among the groups gnomAD compares: Non-Finnish European, 0.00025%; no homozygotes.

Submissions (3):

PreventionGenetics, part of Exact Sciences
Classification: Uncertain significance for RAI1-related condition. Last evaluated: 2025-11-03. Review status: criteria provided, single submitter. Criteria: ACMG Guidelines, 2015. Collection method: clinical testing. Allele origin: germline.
Comment: The RAI1 c.1816G>A variant is predicted to result in the amino acid substitution p.Asp606Asn. To our knowledge, this variant has not been reported in the literature. This variant is reported in 3 alleles out of 1612880 alleles in gnomAD. At this time, the clinical significance of this variant is uncertain due to the absence of conclusive functional and genetic evidence.

Labcorp Genetics (formerly Invitae), Labcorp
Classification: Uncertain significance. Last evaluated: 2022-03-27. Review status: criteria provided, single submitter. Criteria: Invitae Variant Classification Sherloc (09022015). Collection method: clinical testing. Allele origin: germline.
Comment: In summary, the available evidence is currently insufficient to determine the role of this variant in disease. Therefore, it has been classified as a Variant of Uncertain Significance. Algorithms developed to predict the effect of missense changes on protein structure and function are either unavailable or do not agree on the potential impact of this missense change (SIFT: "Deleterious"; PolyPhen-2: "Possibly Damaging"; Align-GVGD: "Class C0"). This variant has not been reported in the literature in individuals affected with RAI1-related conditions. This variant is not present in population databases (gnomAD no frequency). This sequence change replaces aspartic acid, which is acidic and polar, with asparagine, which is neutral and polar, at codon 606 of the RAI1 protein (p.Asp606Asn).

University of Washington Department of Laboratory Medicine, University of Washington
Classification: Uncertain significance for Smith-Magenis syndrome. Last evaluated: 2022-01-27. Review status: criteria provided, single submitter. Criteria: ACMG Guidelines, 2015. Collection method: clinical testing. Allele origin: unknown. Affected: yes.
Comment: The p.Asp606Asn variant in the RAI1 gene has not been previously reported in association with disease. The variant is located within exon 3. This variant was absent from large population databases, including the Genome Aggregation Database. In silico tools do not consistently predict if the p.Asp606Asn impacts protein function; however, these predictions have not been tested directly. Using ACMG guidelines, this variant was classified as a variant of uncertain significance (ACMG evidence codes used: PM2_supporting).

NM_030665.4(RAI1):c.1816G>A (p.Asp606Asn)

Gene: RAI1 (retinoic acid induced 1; plus strand). Cytogenetic location: 17p11.2.
Variant type: single nucleotide variant.
Coding change: c.1816G>A on transcript NM_030665.4 (MANE Select); coding-DNA position 1816, G replaced by A.
Protein change: p.Asp606Asn; replaces aspartic acid 606 with asparagine.
Molecular consequence: missense variant.
Genome position (GRCh38, 1-based): chr17:17,794,764, G>A. VCF-style: chr17-17794764-G-A. GRCh37 (hg19) VCF-style: chr17-17698078-G-A.
Other names: c.1816G>A (NM_030665.3); short protein forms D606N.
Identifiers: ClinVar variation 2043994 (VCV002043994.6), dbSNP rs945917095, ClinGen allele CA288367944.